The following is an entry in ClinVar:

ClinVar aggregate classification (germline): Uncertain significance (1 of 4 stars; one submission).

Submission:

Dasa
Classification: Uncertain significance. Last evaluated: 2025-04-10. Review status: criteria provided, single submitter. Criteria: DASA Assertion Criteria. Collection method: clinical testing. Allele origin: germline.
Comment: NM_021956.5(GRIK2):c.2311+4G>A is a splice-region variant. This variant is rare in population databases. Computational prediction algorithms are consistent with a benign effect. The currently available literature and clinical evidence are not sufficient to establish a definitive association between this variant and the reported condition. Therefore, this variant is classified as a variant of uncertain significance.

NM_021956.5(GRIK2):c.2311+4G>A

Gene: GRIK2 (glutamate ionotropic receptor kainate type subunit 2; plus strand). Cytogenetic location: 6q16.3.
Variant type: single nucleotide variant.
Coding change: c.2311+4G>A on transcript NM_021956.5 (MANE Select); 4 bases into the intron after coding-DNA position 2311, G replaced by A.
Molecular consequence: intron variant.
Genome position (GRCh38, 1-based): chr6:102,035,570, G>A. VCF-style: chr6-102035570-G-A. GRCh37 (hg19) VCF-style: chr6-102483445-G-A.
Other names: c.2311+4G>A (NM_175768.3, NM_001166247.1).
Identifiers: ClinVar variation 4881240 (VCV004881240.2).